The following is an entry in ClinVar:

NM_000273.3(GPR143):c.691T>C (p.Tyr231His)

Gene: GPR143 (G protein-coupled receptor 143; minus strand). Cytogenetic location: Xp22.2.
Variant type: single nucleotide variant.
Coding change: c.691T>C on transcript NM_000273.3 (MANE Select); coding-DNA position 691, T replaced by C.
Protein change: p.Tyr231His; replaces tyrosine 231 with histidine.
Molecular consequence: missense variant.
Genome position (GRCh38, 1-based): chrX:9,743,641, A>G on the plus strand (T>C on the coding strand, the complement: GPR143 is on the minus strand). VCF-style: chrX-9743641-A-G. GRCh37 (hg19) VCF-style: chrX-9711681-A-G.
Other names: c.691T>C (NM_000273.2); short protein forms Y231H.
Identifiers: ClinVar variation 1499589 (VCV001499589.8), dbSNP rs1233707564, ClinGen allele CA411996964.

ClinVar aggregate classification (germline): Uncertain significance. Review status: criteria provided, multiple submitters, no conflicts (2 of 4 stars). 3 submissions from 3 submitters: Uncertain significance (3). Last evaluated 2026-03-24.

Allele frequency attached by ClinVar (database versions not stated): gnomAD 0.00001; gnomAD exomes below 0.00001; TOPMed 0.00002.
gnomAD v4.1: 3 of 1,175,848 alleles (0.00026%); highest among the groups gnomAD compares: African/African-American, 0.0053%; no homozygotes.

Submissions (3):

GeneDx
Classification: Uncertain significance. Last evaluated: 2026-03-24. Review status: criteria provided, single submitter. Criteria: GeneDx Variant Classification Process June 2021. Collection method: clinical testing. Allele origin: germline.
Comment: Not observed at significant frequency in large population cohorts (gnomAD); In silico analysis supports that this missense variant has a deleterious effect on protein structure/function; This variant is associated with the following publications: (PMID: 32830442, 38219857)

Women's Health and Genetics/Laboratory Corporation of America, LabCorp
Classification: Uncertain significance. Last evaluated: 2025-02-21. Review status: criteria provided, single submitter. Criteria: LabCorp Variant Classification Summary - May 2015. Collection method: clinical testing. Allele origin: germline.
Comment: Variant summary: GPR143 c.691T>C (p.Tyr231His) results in a conservative amino acid change located in the rhodopsin 7-helix transmembrane protein domain of the encoded protein sequence. Four of five in-silico tools predict a damaging effect of the variant on protein function. The variant was absent in 183488 control chromosomes. The available data on variant occurrences in the general population are insufficient to allow any conclusion about variant significance. c.691T>C has been reported in the literature in individuals affected with retinal disease, including ocular albinism (e.g., Jackson_2020, Lin_2024). These data do not allow any conclusion about variant significance. To our knowledge, no experimental evidence demonstrating an impact on protein function has been reported. The following publications have been ascertained in the context of this evaluation (PMID: 32830442, 38219857). ClinVar contains an entry for this variant (Variation ID: 1499589). Based on the evidence outlined above, the variant was classified as uncertain significance.

Labcorp Genetics (formerly Invitae), Labcorp
Classification: Uncertain significance. Last evaluated: 2024-05-14. Review status: criteria provided, single submitter. Criteria: Invitae Variant Classification Sherloc (09022015). Collection method: clinical testing. Allele origin: germline.
Comment: This sequence change replaces tyrosine, which is neutral and polar, with histidine, which is basic and polar, at codon 231 of the GPR143 protein (p.Tyr231His). This variant is not present in population databases (gnomAD no frequency). This missense change has been observed in individual(s) with ocular albinism (PMID: 32830442). ClinVar contains an entry for this variant (Variation ID: 1499589). Advanced modeling of protein sequence and biophysical properties (such as structural, functional, and spatial information, amino acid conservation, physicochemical variation, residue mobility, and thermodynamic stability) performed at Invitae indicates that this missense variant is expected to disrupt GPR143 protein function with a positive predictive value of 80%. In summary, the available evidence is currently insufficient to determine the role of this variant in disease. Therefore, it has been classified as a Variant of Uncertain Significance.

Literature cited by the submitters: PubMed 32830442 (cited by Women's Health and Genetics/Laboratory Corporation of America, LabCorp and Labcorp Genetics (formerly Invitae), Labcorp); PubMed 38219857 (cited by Women's Health and Genetics/Laboratory Corporation of America, LabCorp).